The following is an entry in ClinVar:

NM_030912.3(TRIM8):c.1357C>T (p.Gln453Ter)

Gene: TRIM8 (tripartite motif containing 8; plus strand). Cytogenetic location: 10q24.32.
Variant type: single nucleotide variant.
Coding change: c.1357C>T on transcript NM_030912.3 (MANE Select); coding-DNA position 1357, C replaced by T.
Protein change: p.Gln453Ter; replaces glutamine 453 with a stop codon.
Molecular consequence: nonsense. On other transcripts: non-coding transcript variant (1).
Genome position (GRCh38, 1-based): chr10:102,657,055, C>T. VCF-style: chr10-102657055-C-T. GRCh37 (hg19) VCF-style: chr10-104416812-C-T.
Other names: c.1261C>T, p.Gln421Ter (NM_001345950.1); short protein forms Q421*, Q453*.
Identifiers: ClinVar variation 1805889 (VCV001805889.2), dbSNP rs2064032086, ClinGen allele CA377932271.

ClinVar aggregate classification (germline): Pathogenic (1 of 4 stars; one submission).

Conditions:
Focal segmental glomerulosclerosis and neurodevelopmental syndrome. Identifiers: MedGen C5561938, MONDO:0100111, OMIM 619428.

Submission:

Victorian Clinical Genetics Services, Murdoch Childrens Research Institute
Classification: Pathogenic for Focal segmental glomerulosclerosis and neurodevelopmental syndrome. Last evaluated: 2023-07-16. Review status: criteria provided, single submitter. Criteria: ACMG Guidelines, 2015. Collection method: clinical testing. Allele origin: germline. Inheritance: Autosomal dominant inheritance. Affected: yes.
Comment: Based on the classification scheme VCGS_Germline_v1.3.4, this variant is classified as Pathogenic. Following criteria are met: 0105 - The mechanism of disease for this gene is not clearly established. However, both dominant negative and gain of function have been suggested (PMIDs: 32193649, 33508234, 34930159, 30244534). (I) 0107 - This gene is associated with autosomal dominant disease. (I) 0205 - Variant is predicted to result in a truncated protein (premature termination codon is NOT located at least 54 nucleotides upstream of the final exon-exon junction) with less than 1/3 of the protein sequence affected. (SP) 0251 - This variant is heterozygous. (I) 0301 - Variant is absent from gnomAD (both v2 and v3). (SP) 0601 - Variant is located in the well-established critical region for truncating variants in this gene (p.390-487) where other pathogenic truncating variants have previously been reported (PMID: 33508234). (SP) 0702 - Other downstream truncating variants comparable to the one identified in this case have strong previous evidence for pathogenicity (DECIPHER, PMIDs: 33508234, 32193649). (SP) 0807 - This variant has no previous evidence of pathogenicity. (I) 0905 - No published segregation evidence has been identified for this variant. (I) 1007 - No published functional evidence has been identified for this variant. (SP) Legend: (SP) - Supporting pathogenic, (I) - Information, (SB) - Supporting benign

Literature cited by the submitters: PubMed 30244534; PubMed 32193649; PubMed 33508234; PubMed 34930159.